The following is an entry in ClinVar:

ClinVar aggregate classification (germline): Uncertain significance (1 of 4 stars; one submission).

Conditions:
Cystic fibrosis (CF). Also called: MUCOVISCIDOSIS. Identifiers: Orphanet 586, MedGen C0010674, MONDO:0009061, OMIM 219700. Disease mechanism: loss of function.

Submission:

Ambry Genetics
Classification: Uncertain significance for Cystic fibrosis. Last evaluated: 2025-05-18. Review status: criteria provided, single submitter. Criteria: Ambry Variant Classification Scheme 2023. Collection method: clinical testing. Allele origin: germline.
Comment: The p.L666S variant (also known as c.1997T>C), located in coding exon 14 of the CFTR gene, results from a T to C substitution at nucleotide position 1997. The leucine at codon 666 is replaced by serine, an amino acid with dissimilar properties. This amino acid position is conserved. In addition, this alteration is predicted to be deleterious by in silico analysis. Based on the available evidence, the clinical significance of this variant remains unclear.

NM_000492.4(CFTR):c.1997T>C (p.Leu666Ser)

Gene: CFTR (CF transmembrane conductance regulator; plus strand). Cytogenetic location: 7q31.2.
Variant type: single nucleotide variant.
Coding change: c.1997T>C on transcript NM_000492.4 (MANE Select); coding-DNA position 1997, T replaced by C.
Protein change: p.Leu666Ser; replaces leucine 666 with serine.
Molecular consequence: missense variant.
Genome position (GRCh38, 1-based): chr7:117,592,164, T>C. VCF-style: chr7-117592164-T-C. GRCh37 (hg19) VCF-style: chr7-117232218-T-C.
Other names: short protein forms L666S.
Identifiers: ClinVar variation 4001866 (VCV004001866.1).
Genomic context (GRCh38, chr7:117,592,164, plus strand): 5'-GATGTGATTCTTTCGACCAATTTAGTGCAGAAAGAAGAAATTCAATCCTAACTGAGACCT[T>C]ACACCGTTTCTCATTAGAAGGAGATGCTCCTGTCTCCTGGACAGAAACAAAAAAACAATC-3'
Protein context (NP_000483.3, residues 656-676): ERRNSILTET[Leu666Ser]HRFSLEGDAP